The following is an entry in ClinVar:

ClinVar aggregate classification (germline): Uncertain significance (1 of 4 stars; one submission).

Submission:

GeneDx
Classification: Uncertain significance. Last evaluated: 2023-01-24. Review status: criteria provided, single submitter. Criteria: GeneDx Variant Classification Process June 2021. Collection method: clinical testing. Allele origin: germline. Affected: yes.
Comment: Not observed at significant frequency in large population cohorts (gnomAD); Nonsense variant predicted to result in protein truncation or nonsense mediated decay in a gene or region of a gene for which loss of function is not a well-established mechanism of disease; Has not been previously published as pathogenic or benign to our knowledge; Variants in candidate genes are classified as variants of uncertain significance in accordance with ACMG guidelines (Richards et al., 2015)

NM_001206998.2(ZNRF3):c.1419C>A (p.Tyr473Ter)

Gene: ZNRF3 (zinc and ring finger 3; plus strand). Cytogenetic location: 22q12.1.
Variant type: single nucleotide variant.
Coding change: c.1419C>A on transcript NM_001206998.2 (MANE Select); coding-DNA position 1419, C replaced by A.
Protein change: p.Tyr473Ter; replaces tyrosine 473 with a stop codon.
Molecular consequence: nonsense.
Genome position (GRCh38, 1-based): chr22:29,049,600, C>A. VCF-style: chr22-29049600-C-A. GRCh37 (hg19) VCF-style: chr22-29445588-C-A.
Other names: c.1119C>A, p.Tyr373Ter (NM_032173.4); short protein forms Y373*, Y473*.
Identifiers: ClinVar variation 3375799 (VCV003375799.1).